The following is an entry in ClinVar:

NM_053025.4(MYLK):c.2200C>G (p.Leu734Val)

Gene: MYLK (myosin light chain kinase; minus strand). Cytogenetic location: 3q21.1.
Variant type: single nucleotide variant.
Coding change: c.2200C>G on transcript NM_053025.4 (MANE Select); coding-DNA position 2200, C replaced by G.
Protein change: p.Leu734Val; replaces leucine 734 with valine.
Molecular consequence: missense variant.
Genome position (GRCh38, 1-based): chr3:123,707,944, G>C on the plus strand (C>G on the coding strand, the complement: MYLK is on the minus strand). VCF-style: chr3-123707944-G-C. GRCh37 (hg19) VCF-style: chr3-123426791-G-C.
Other names: c.1672C>G, p.Leu558Val (NM_001321309.2); c.1993C>G, p.Leu665Val (NM_053026.4, NM_053028.4); c.2200C>G, p.Leu734Val (NM_053027.4); short protein forms L665V, L558V, L734V.
Identifiers: ClinVar variation 3401084 (VCV003401084.1).

ClinVar aggregate classification (germline): Uncertain significance (1 of 4 stars; one submission).

Conditions:
Familial thoracic aortic aneurysm and aortic dissection (TAAD). Also called: Thoracic aortic aneurysms and dissections. Identifiers: Orphanet 91387, MedGen C4707243, MONDO:0019625.

Submission:

Ambry Genetics
Classification: Uncertain significance for Familial thoracic aortic aneurysm and aortic dissection. Last evaluated: 2024-07-07. Review status: criteria provided, single submitter. Criteria: Ambry Variant Classification Scheme 2023. Collection method: clinical testing. Allele origin: germline.
Comment: The p.L734V variant (also known as c.2200C>G), located in coding exon 13 of the MYLK gene, results from a C to G substitution at nucleotide position 2200. The leucine at codon 734 is replaced by valine, an amino acid with highly similar properties. This amino acid position is conserved. In addition, this alteration is predicted to be tolerated by in silico analysis. Based on the available evidence, the clinical significance of this variant remains unclear.